The following is an entry in ClinVar:

ClinVar aggregate classification (germline): Uncertain significance (1 of 4 stars; one submission).

Submission:

GeneDx
Classification: Uncertain significance. Last evaluated: 2023-10-11. Review status: criteria provided, single submitter. Criteria: GeneDx Variant Classification Process June 2021. Collection method: clinical testing. Allele origin: germline. Affected: yes.
Comment: Has not been previously published as pathogenic or benign to our knowledge; Not observed at significant frequency in large population cohorts (gnomAD); In silico analysis supports that this missense variant has a deleterious effect on protein structure/function

NM_020778.5(ALPK3):c.566C>A (p.Ala189Asp)

Gene: ALPK3 (alpha kinase 3; plus strand). Cytogenetic location: 15q25.3.
Variant type: single nucleotide variant.
Coding change: c.566C>A on transcript NM_020778.5 (MANE Select); coding-DNA position 566, C replaced by A.
Protein change: p.Ala189Asp; replaces alanine 189 with aspartic acid.
Molecular consequence: missense variant.
Genome position (GRCh38, 1-based): chr15:84,839,845, C>A. VCF-style: chr15-84839845-C-A. GRCh37 (hg19) VCF-style: chr15-85383076-C-A.
Other names: short protein forms A189D.
Identifiers: ClinVar variation 3343940 (VCV003343940.1).